The following is an entry in ClinVar:

NM_000112.4(SLC26A2):c.2220A>G (p.Ter740=)

Gene: SLC26A2 (solute carrier family 26 member 2; plus strand). Cytogenetic location: 5q32.
Variant type: single nucleotide variant.
Coding change: c.2220A>G on transcript NM_000112.4 (MANE Select); coding-DNA position 2220, A replaced by G.
Protein change: p.Ter740=.
Molecular consequence: synonymous variant.
Genome position (GRCh38, 1-based): chr5:149,981,813, A>G. VCF-style: chr5-149981813-A-G. GRCh37 (hg19) VCF-style: chr5-149361376-A-G.
Identifiers: ClinVar variation 255133 (VCV000255133.33), dbSNP rs61732052, ClinGen allele CA3505572.

ClinVar aggregate classification (germline): Benign/Likely benign. Review status: criteria provided, multiple submitters, no conflicts (2 of 4 stars). 12 submissions from 8 submitters: Benign (9); Likely benign (2). 1 of the submissions does not count toward it. Last evaluated 2026-02-04.

Conditions:
Connective tissue disorder. Also called: Connective tissue disease. Identifiers: MedGen C0009782, MONDO:0003900.
Achondrogenesis, type IB (ACG1B). Also called: Achondrogenesis Type 1B. Identifiers: Orphanet 932, Orphanet 93298, MedGen C0265274, MONDO:0010966, OMIM 600972.
Atelosteogenesis type II (AO2). Also called: SLC26A2-Related Atelosteogenesis; NEONATAL OSSEOUS DYSPLASIA I; Neonatal osseous dysplasia 1. Identifiers: Orphanet 56304, MedGen C1850554, MONDO:0009727, OMIM 256050.
Multiple epiphyseal dysplasia type 4 (EDM4). Also called: Multiple Epiphyseal Dysplasia, Recessive; MULTIPLE EPIPHYSEAL DYSPLASIA WITH BILAYERED PATELLAE; MULTIPLE EPIPHYSEAL DYSPLASIA WITH CLUBFOOT; MULTIPLE EPIPHYSEAL DYSPLASIA, AUTOSOMAL RECESSIVE; SLC26A2-Related Multiple Epiphyseal Dysplasia. Identifiers: Orphanet 93307, MedGen C1847593, MONDO:0009189, OMIM 226900.
Diastrophic dysplasia (DTD). Also called: Diastrophic dwarfism. Identifiers: Orphanet 628, MedGen C0220726, MONDO:0009107, OMIM 222600.
Sulfate transporter-related osteochondrodysplasia. Also called: DTDST-related dysplasias. Identifiers: MedGen CN120497. Disease mechanism: loss of function.

Allele frequency attached by ClinVar (database versions not stated): gnomAD exomes 0.00125 and 0.00324; ExAC 0.00389; gnomAD 0.01249 and 0.01353; ESP Exome Variant Server 0.01295; 1000 Genomes Project 0.01358; TOPMed 0.01428; 1000 Genomes Project 30x 0.01530.
gnomAD v4.1: 3,818 of 1,603,716 alleles (0.24%); highest among the groups gnomAD compares: African/African-American, 4.5%; 73 homozygotes.

Submissions (12):

Labcorp Genetics (formerly Invitae), Labcorp
Classification: Benign for Atelosteogenesis type II; Multiple epiphyseal dysplasia type 4; Achondrogenesis, type IB; Diastrophic dysplasia. Last evaluated: 2026-02-04. Review status: criteria provided, single submitter. Criteria: Invitae Variant Classification Sherloc (09022015). Collection method: clinical testing. Allele origin: germline.

ARUP Laboratories, Molecular Genetics and Genomics, ARUP Laboratories
Classification: Benign. Last evaluated: 2024-10-23. Review status: criteria provided, single submitter. Criteria: ARUP Molecular Germline Variant Investigation Process 2024. Collection method: clinical testing. Allele origin: germline.

Genome Diagnostics Laboratory, The Hospital for Sick Children
Classification: Benign for Connective tissue disorder. Last evaluated: 2019-08-01. Review status: criteria provided, single submitter. Criteria: ACMG Guidelines, 2015. Collection method: clinical testing. Allele origin: germline.

Illumina Laboratory Services, Illumina
Classification: Likely benign for Osteochondrodysplasia. Last evaluated: 2018-01-13. Review status: criteria provided, single submitter. Criteria: ICSL Variant Classification Criteria 13 December 2019. Collection method: clinical testing. Allele origin: germline.
Comment: This variant was observed in the ICSL laboratory as part of a predisposition screen in an ostensibly healthy population. It had not been previously curated by ICSL or reported in the Human Gene Mutation Database (HGMD: prior to June 1st, 2018), and was therefore a candidate for classification through an automated scoring system. Utilizing variant allele frequency, disease prevalence and penetrance estimates, and inheritance mode, an automated score was calculated to assess if this variant is too frequent to cause the disease. Based on the score and internal cut-off values, a variant classified as likely benign is not then subjected to further curation. The score for this variant resulted in a classification of likely benign for this disease.

Illumina Laboratory Services, Illumina
Classification: Benign for Achondrogenesis, type IB. Last evaluated: 2018-01-13. Review status: criteria provided, single submitter. Criteria: ICSL Variant Classification Criteria 13 December 2019. Collection method: clinical testing. Allele origin: germline.
Comment: This variant was observed in the ICSL laboratory as part of a predisposition screen in an ostensibly healthy population. It had not been previously curated by ICSL or reported in the Human Gene Mutation Database (HGMD: prior to June 1st, 2018), and was therefore a candidate for classification through an automated scoring system. Utilizing variant allele frequency, disease prevalence and penetrance estimates, and inheritance mode, an automated score was calculated to assess if this variant is too frequent to cause the disease. Based on the score and internal cut-off values, a variant classified as benign is not then subjected to further curation. The score for this variant resulted in a classification of benign for this disease.

Illumina Laboratory Services, Illumina
Classification: Benign for Atelosteogenesis type II. Last evaluated: 2018-01-13. Review status: criteria provided, single submitter. Criteria: ICSL Variant Classification Criteria 13 December 2019. Collection method: clinical testing. Allele origin: germline.
Comment: the same text as in the submission from Illumina Laboratory Services, Illumina above.

Illumina Laboratory Services, Illumina
Classification: Benign for Diastrophic dysplasia. Last evaluated: 2018-01-13. Review status: criteria provided, single submitter. Criteria: ICSL Variant Classification Criteria 13 December 2019. Collection method: clinical testing. Allele origin: germline.
Comment: the same text as in the submission from Illumina Laboratory Services, Illumina above.

Illumina Laboratory Services, Illumina
Classification: Benign for Multiple epiphyseal dysplasia type 4. Last evaluated: 2018-01-13. Review status: criteria provided, single submitter. Criteria: ICSL Variant Classification Criteria 13 December 2019. Collection method: clinical testing. Allele origin: germline.
Comment: the same text as in the submission from Illumina Laboratory Services, Illumina above.

GeneDx
Classification: Benign. Last evaluated: 2017-07-17. Review status: criteria provided, single submitter. Criteria: GeneDx Variant Classification (06012015). Collection method: clinical testing. Allele origin: germline. Affected: yes.
Comment: This variant is considered likely benign or benign based on one or more of the following criteria: it is a conservative change, it occurs at a poorly conserved position in the protein, it is predicted to be benign by multiple in silico algorithms, and/or has population frequency not consistent with disease.

Breakthrough Genomics
Classification: Likely benign. Review status: criteria provided, single submitter. Criteria: ACMG Guidelines, 2015. Collection method: not provided. Allele origin: germline. Inheritance: Autosomal recessive inheritance. Affected: yes.

PreventionGenetics, part of Exact Sciences
Classification: Benign. Review status: criteria provided, single submitter. Criteria: ACMG Guidelines, 2015. Collection method: clinical testing. Allele origin: germline.

Natera, Inc.
Classification: Benign for Achondrogenesis type IB. Last evaluated: 2020-09-16. Review status: no assertion criteria provided. Collection method: clinical testing. Allele origin: germline. Not counted in ClinVar's aggregate classification.